The following is an entry in ClinVar:

ClinVar aggregate classification (germline): Likely benign. Review status: criteria provided, multiple submitters, no conflicts (2 of 4 stars). 3 submissions from 3 submitters: Likely benign (3). Last evaluated 2026-01-24.

Conditions:
ATP6V1B1-related disorder. Also called: ATP6V1B1-related condition.
Renal tubular acidosis with progressive nerve deafness. Also called: Distal Renal Tubular Acidosis with Progressive Sensorineural Deafness; renal tubular acidosis, distal, 2, with progressive sensorineural hearing loss; RENAL TUBULAR ACIDOSIS, AUTOSOMAL RECESSIVE, WITH PROGRESSIVE NERVE DEAFNESS; RTA WITH PROGRESSIVE NERVE DEAFNESS. Identifiers: MedGen C0403554, MONDO:0009968, OMIM 267300.

Allele frequency attached by ClinVar (database versions not stated): gnomAD exomes 0.00001 and 0.00002; gnomAD 0.00002; TOPMed 0.00002.
gnomAD v4.1: 20 of 1,613,800 alleles (0.0012%); highest among the groups gnomAD compares: Non-Finnish European, 0.0016%; no homozygotes.

Submissions (3):

Labcorp Genetics (formerly Invitae), Labcorp
Classification: Likely benign. Last evaluated: 2026-01-24. Review status: criteria provided, single submitter. Criteria: Invitae Variant Classification Sherloc (09022015). Collection method: clinical testing. Allele origin: germline.

PreventionGenetics, part of Exact Sciences
Classification: Likely benign for ATP6V1B1-related condition. Last evaluated: 2025-03-17. Review status: criteria provided, single submitter. Criteria: ACMG Guidelines, 2015. Collection method: clinical testing. Allele origin: germline.
Comment: This variant is classified as likely benign based on ACMG/AMP sequence variant interpretation guidelines (Richards et al. 2015 PMID: 25741868, with internal and published modifications).

Fulgent Genetics
Classification: Likely benign for Renal tubular acidosis with progressive nerve deafness. Last evaluated: 2021-11-21. Review status: criteria provided, single submitter. Criteria: ACMG Guidelines, 2015. Collection method: clinical testing. Allele origin: unknown.

NM_001692.4(ATP6V1B1):c.45T>C (p.Ser15=)

Gene: ATP6V1B1 (ATPase H+ transporting V1 subunit B1; plus strand). Cytogenetic location: 2p13.3.
Variant type: single nucleotide variant.
Coding change: c.45T>C on transcript NM_001692.4 (MANE Select); coding-DNA position 45, T replaced by C.
Protein change: p.Ser15=; no amino-acid change (serine 15 retained).
Molecular consequence: synonymous variant.
Genome position (GRCh38, 1-based): chr2:70,935,999, T>C. VCF-style: chr2-70935999-T-C. GRCh37 (hg19) VCF-style: chr2-71163129-T-C.
Other names: c.45T>C (NM_001692.3).
Identifiers: ClinVar variation 1156743 (VCV001156743.14), dbSNP rs1045132687, ClinGen allele CA49687428.